The following is an entry in ClinVar:

NM_032802.4(SPPL2A):c.1340G>C (p.Gly447Ala)

Gene: SPPL2A (signal peptide peptidase like 2A; minus strand). Cytogenetic location: 15q21.2.
Variant type: single nucleotide variant.
Coding change: c.1340G>C on transcript NM_032802.4 (MANE Select); coding-DNA position 1340, G replaced by C.
Protein change: p.Gly447Ala; replaces glycine 447 with alanine.
Molecular consequence: missense variant. On other transcripts: intron variant (1).
Genome position (GRCh38, 1-based): chr15:50,720,088, C>G on the plus strand (G>C on the coding strand, the complement: SPPL2A is on the minus strand). VCF-style: chr15-50720088-C-G. GRCh37 (hg19) VCF-style: chr15-51012285-C-G.
Other names: c.1394G>C, p.Gly465Ala (NM_001438111.1); c.1327+2036G>C (NM_001438112.1); short protein forms G447A, G465A.
Identifiers: ClinVar variation 4747132 (VCV004747132.1).

ClinVar aggregate classification (germline): Uncertain significance (1 of 4 stars; one submission).

Submission:

Labcorp Genetics (formerly Invitae), Labcorp
Classification: Uncertain significance. Last evaluated: 2026-01-16. Review status: criteria provided, single submitter. Criteria: Invitae Variant Classification Sherloc (09022015). Collection method: clinical testing. Allele origin: germline.
Comment: This sequence change replaces glycine, which is neutral and non-polar, with alanine, which is neutral and non-polar, at codon 447 of the SPPL2A protein (p.Gly447Ala). This variant is not present in population databases (gnomAD no frequency). This variant has not been reported in the literature in individuals affected with SPPL2A-related conditions. An algorithm developed to predict the effect of missense changes on protein structure and function (PolyPhen-2) suggests that this variant is likely to be disruptive. In summary, the available evidence is currently insufficient to determine the role of this variant in disease. Therefore, it has been classified as a Variant of Uncertain Significance.